The following is an entry in ClinVar:

NM_001288739.2(DNM1):c.1267C>A (p.Pro423Thr)

Gene: DNM1 (dynamin 1; plus strand). Cytogenetic location: 9q34.11.
Variant type: single nucleotide variant.
Coding change: c.1267C>A on transcript NM_001288739.2 (MANE Plus Clinical); coding-DNA position 1267, C replaced by A.
Protein change: p.Pro423Thr; replaces proline 423 with threonine.
Molecular consequence: missense variant. On other transcripts: intron variant (3).
Genome position (GRCh38, 1-based): chr9:128,226,105, C>A. VCF-style: chr9-128226105-C-A. GRCh37 (hg19) VCF-style: chr9-130988384-C-A.
Other names: c.1267C>A, p.Pro423Thr (NM_001288737.2, NM_001288738.2); c.1335+1716C>A (NM_001005336.3, NM_001374269.1, NM_004408.4); short protein forms P423T.
Identifiers: ClinVar variation 3361531 (VCV003361531.1).
Genomic context (GRCh38, chr9:128,226,105, plus strand): 5'-TTCACACCTGACCTCGCTTTTGAAGCCACAGTGAAAAAGCAGGTGCAGAAGCTCAAAGAG[C>A]CCAGTATCAAGTGTGTGGATATGGTAGTCAGTGAGCTCACAGCCACCATCAGAAAGTGTA-3'
Protein context (NP_001275668.1, residues 413-433): VKKQVQKLKE[Pro423Thr]SIKCVDMVVS

ClinVar aggregate classification (germline): Uncertain significance (1 of 4 stars; one submission).

gnomAD v4.1: 8 of 1,612,730 alleles (0.0005%); highest among the groups gnomAD compares: African/African-American, 0.0013%; no homozygotes.

Submission:

GeneDx
Classification: Uncertain significance. Last evaluated: 2023-07-31. Review status: criteria provided, single submitter. Criteria: GeneDx Variant Classification Process June 2021. Collection method: clinical testing. Allele origin: germline. Affected: yes.
Comment: Reported using an alternate transcript of the gene; Not observed at significant frequency in large population cohorts (gnomAD); In silico analysis supports that this missense variant has a deleterious effect on protein structure/function; Has not been previously published as pathogenic or benign to our knowledge